The following is an entry in ClinVar:

NM_005251.3(FOXC2):c.238C>G (p.Leu80Val)

Genes: FOXC2 (forkhead box C2; plus strand), FOXC2-AS1 (FOXC2 antisense RNA 1; minus strand). Cytogenetic location: 16q24.1.
Variant type: single nucleotide variant.
Coding change: c.238C>G on transcript NM_005251.3 (MANE Select); coding-DNA position 238, C replaced by G.
Protein change: p.Leu80Val; replaces leucine 80 with valine.
Molecular consequence: missense variant.
Genome position (GRCh38, 1-based): chr16:86,567,573, C>G. VCF-style: chr16-86567573-C-G. GRCh37 (hg19) VCF-style: chr16-86601179-C-G.
Other names: short protein forms L80V.
Identifiers: ClinVar variation 4888356 (VCV004888356.1).
Genomic context (GRCh38, chr16:86,567,573, plus strand): 5'-CACCACCACCAGCCCGCGGCGCCTAAGGACCTGGTGAAGCCGCCCTACAGCTACATCGCG[C>G]TCATCACCATGGCCATCCAGAACGCGCCCGAGAAGAAGATCACCTTGAACGGCATCTACC-3'
Protein context (NP_005242.1, residues 70-90): LVKPPYSYIA[Leu80Val]ITMAIQNAPE

ClinVar aggregate classification (germline): Likely pathogenic (1 of 4 stars; one submission).

Conditions:
Distichiasis-lymphedema syndrome. Also called: LYMPHEDEMA WITH DISTICHIASIS. Identifiers: Orphanet 33001, MedGen C0265345, MONDO:0007922, OMIM 153400.

Submission:

New York Genome Center
Classification: Likely pathogenic for Distichiasis-lymphedema syndrome. Last evaluated: 2023-09-20. Review status: criteria provided, single submitter. Criteria: NYGC Assertion Criteria 2020. Collection method: clinical testing. Allele origin: de novo. Affected: yes. Observed: 1 variant allele, 1 heterozygote.
Comment: The de novo c.238C>G, p.(Leu80Val) variant identified in the FOXC2 gene is the substitution of a highly conserved Leucine for Valine at amino acid80/502 (exon 1/1) within the first Nuclear Localization Signal (NLS1) of the protein (for Review, [PMID:32698337]). This variant is absent from population databases (gnomADv2.1.1, gnomADv3.1.2, BRAVO-TOPMed, All of Us) suggesting it is not a common benign variant in the populations represented in those databases. In silico algorithms predict this variant to alter the function of the canonical protein (REVEL=0.921). While this variant has not been previously reported in the literature, a different amino acid change at the same position, p.(Leu80Phe) has been reported in two affected individuals [PMID:32698337, 34890032], and functional studies demonstrated abnormal nuclear localization and impaired transcriptional activity for the p.(Leu80Phe) variant [PMID:32698337]. While many of the reported variants in FOXC2 are nonsense and frameshift variants, pathogenic missense variants are frequently reported in some regions of the protein, including the NLS1 (amino acids78-93) [PMID:28724617, 35716761, 31974414, 32698337], and two cases including fetal cystic hygroma have been reported in the NLS1 region including p.(Ile85Asn)[PMID:35716761, 19013876] and p.(Ala84Val) [PMID:31974414]. Given its presence de novo, absence in population databases, in silico prediction of a damaging effect to protein function, presence of a pathogenic variant at the same amino acid position, and its presence in a region of the protein where other missense variants have been reported, the de novo c.238C>G, p.(Leu80Val) variant identified in the FOXC2 gene is reported as Likely Pathogenic.